The following is an entry in ClinVar:

ClinVar aggregate classification (germline): Likely pathogenic (1 of 4 stars; one submission).

Conditions:
Hyperinsulinemic hypoglycemia, familial, 1 (HHF1). Also called: HYPERINSULINISM, FAMILIAL, WITH PANCREATIC NESIDIOBLASTOSIS; HYPOGLYCEMIA, HYPERINSULINEMIC, OF INFANCY; NESIDIOBLASTOSIS OF PANCREAS; Persistent hyperinsulinemic hypoglycemia of infancy; Persistent Hyperinsulinemia Hypoglycemia of Infancy. Identifiers: Orphanet 276575, Orphanet 276598, MedGen C2931832, MONDO:0009734, OMIM 256450.

Submission:

Myriad Genetics, Inc.
Classification: Likely pathogenic for Hyperinsulinemic hypoglycemia, familial, 1. Last evaluated: 2022-03-02. Review status: criteria provided, single submitter. Criteria: Myriad Women's Health Autosomal Recessive and X-Linked Classification Criteria (2021). Collection method: clinical testing. Allele origin: unknown.
Comment: NM_000352.3(ABCC8):c.1209delC(T404Pfs*9) is expected to be pathogenic in the context of familial hyperinsulinism, ABCC8-related. This variant is predicted to lead to an abnormal or absent protein product due to the creation of a premature termination codon in ABCC8, a gene where loss-of-function variants are known to be pathogenic. Please note: this variant was assessed in the context of healthy population screening.

NM_000352.6(ABCC8):c.1209del (p.Thr404fs)

Gene: ABCC8 (ATP binding cassette subfamily C member 8; minus strand). Cytogenetic location: 11p15.1.
Variant type: Deletion.
Coding change: c.1209del on transcript NM_000352.6 (MANE Select); coding-DNA position 1209, one base deleted (C; older notation c.1209delC).
Protein change: p.Thr404fs; shifts the reading frame from threonine 404.
Molecular consequence: frameshift variant. On other transcripts: non-coding transcript variant (1).
Genome position (GRCh38, 1-based): chr11:17,448,639, G deleted on the plus strand (C on the coding strand, the reverse complement: ABCC8 is on the minus strand); the first of 2 consecutive G bases (chr11:17,448,639-17,448,640); deleting either gives the same sequence. VCF-style (leftmost placement, unchanged base first): chr11-17448638-TG-T. GRCh37 (hg19) VCF-style: chr11-17470185-TG-T.
Other names: c.1209del, p.Thr404fs (NM_001287174.3, NM_001351295.2); c.1206del, p.Thr403fs (NM_001351296.2, NM_001351297.2); short protein forms T403fs, T404fs.
Identifiers: ClinVar variation 1725106 (VCV001725106.2), dbSNP rs2496781833, ClinGen allele CA2580082849.